The following is an entry in ClinVar:

ClinVar aggregate classification (germline): Uncertain significance (1 of 4 stars; one submission).

Conditions:
Ataxia-telangiectasia syndrome (AT). Also called: LOUIS-BAR SYNDROME; Cerebello-oculocutaneous telangiectasia; Immunodeficiency with ataxia telangiectasia; Ataxia-telangiectasia, complementation group D; AT, COMPLEMENTATION GROUP C; ATAXIA-TELANGIECTASIA, COMPLEMENTATION GROUP A. Identifiers: Orphanet 100, MedGen C0004135, MONDO:0008840, OMIM 208900.

Submission:

Labcorp Genetics (formerly Invitae), Labcorp
Classification: Uncertain significance for Ataxia-telangiectasia syndrome. Last evaluated: 2025-02-13. Review status: criteria provided, single submitter. Criteria: Invitae Variant Classification Sherloc (09022015). Collection method: clinical testing. Allele origin: germline.
Comment: This sequence change falls in intron 58 of the ATM gene. It does not directly change the encoded amino acid sequence of the ATM protein. It affects a nucleotide within the consensus splice site. This variant is not present in population databases (gnomAD no frequency). This variant has not been reported in the literature in individuals affected with ATM-related conditions. Variants that disrupt the consensus splice site are a relatively common cause of aberrant splicing (PMID: 17576681, 9536098). Algorithms developed to predict the effect of sequence changes on RNA splicing suggest that this variant is not likely to affect RNA splicing. In summary, the available evidence is currently insufficient to determine the role of this variant in disease. Therefore, it has been classified as a Variant of Uncertain Significance.

Literature cited by the submitters: PubMed 17576681; PubMed 9536098.

NM_000051.4(ATM):c.8584+6C>A

Genes: ATM (ATM serine/threonine kinase; plus strand), C11orf65 (chromosome 11 open reading frame 65; minus strand). Cytogenetic location: 11q22.3.
Variant type: single nucleotide variant.
Coding change: c.8584+6C>A on transcript NM_000051.4 (MANE Select); 6 bases into the intron after coding-DNA position 8584, C replaced by A.
Molecular consequence: intron variant.
Genome position (GRCh38, 1-based): chr11:108,345,914, C>A. VCF-style: chr11-108345914-C-A. GRCh37 (hg19) VCF-style: chr11-108216641-C-A.
Other names: c.8584+6C>A (NM_001351834.2); c.641-36843G>T (NM_001330368.2); c.695-10622G>T (NM_001351110.2).
Identifiers: ClinVar variation 4803827 (VCV004803827.1).
Genomic context (GRCh38, chr11:108,345,914, plus strand): 5'-ATTTGGTTTGAGAAGCGATTGGCTTATACGCGCAGTGTAGCTACTTCTTCTATTGGTAAT[C>A]TTCTTGTACATATAGTAGATTGAGCACTTTGTTGTTTGGCAGGTTTTATTTTTGTTTGAT-3'